The following is an entry in ClinVar:

ClinVar aggregate classification (germline): Uncertain significance (1 of 4 stars; one submission).

Conditions:
Hereditary cancer-predisposing syndrome. Also called: Hereditary Cancer Syndrome; Tumor predisposition; Hereditary neoplastic syndrome; Neoplastic Syndromes, Hereditary. Identifiers: Orphanet 140162, MedGen C0027672, MeSH D009386, MONDO:0015356.
Cardiovascular phenotype. Identifiers: MedGen CN230736.

gnomAD v4.1: 2 of 1,613,384 alleles (0.00012%); highest among the groups gnomAD compares: Non-Finnish European, 0.00017%; no homozygotes.

Submission:

Ambry Genetics
Classification: Uncertain significance for Cardiovascular phenotype; Hereditary cancer-predisposing syndrome. Last evaluated: 2024-07-17. Review status: criteria provided, single submitter. Criteria: Ambry Variant Classification Scheme 2023. Collection method: clinical testing. Allele origin: germline.
Comment: The p.Q1010R variant (also known as c.3029A>G), located in coding exon 23 of the NF1 gene, results from an A to G substitution at nucleotide position 3029. The glutamine at codon 1010 is replaced by arginine, an amino acid with highly similar properties. This amino acid position is conserved. In addition, the in silico prediction for this alteration is inconclusive. Based on the available evidence, the clinical significance of this variant remains unclear.

NM_001042492.3(NF1):c.3029A>G (p.Gln1010Arg)

Gene: NF1 (neurofibromin 1; plus strand). Cytogenetic location: 17q11.2.
Variant type: single nucleotide variant.
Coding change: c.3029A>G on transcript NM_001042492.3 (MANE Select); coding-DNA position 3029, A replaced by G.
Protein change: p.Gln1010Arg; replaces glutamine 1010 with arginine.
Molecular consequence: missense variant.
Genome position (GRCh38, 1-based): chr17:31,230,298, A>G. VCF-style: chr17-31230298-A-G. GRCh37 (hg19) VCF-style: chr17-29557316-A-G.
Other names: c.3029A>G, p.Gln1010Arg (NM_000267.4); short protein forms Q1010R.
Identifiers: ClinVar variation 3404670 (VCV003404670.1).